The following is an entry in ClinVar:

NM_004153.4(ORC1):c.1547A>G (p.Asn516Ser)

Gene: ORC1 (origin recognition complex subunit 1; minus strand). Cytogenetic location: 1p32.3.
Variant type: single nucleotide variant.
Coding change: c.1547A>G on transcript NM_004153.4 (MANE Select); coding-DNA position 1547, A replaced by G.
Protein change: p.Asn516Ser; replaces asparagine 516 with serine.
Molecular consequence: missense variant.
Genome position (GRCh38, 1-based): chr1:52,385,197, T>C on the plus strand (A>G on the coding strand, the complement: ORC1 is on the minus strand). VCF-style: chr1-52385197-T-C. GRCh37 (hg19) VCF-style: chr1-52850869-T-C.
Other names: c.1547A>G, p.Asn516Ser (NM_001190818.2); c.1532A>G, p.Asn511Ser (NM_001190819.2); short protein forms N511S, N516S.
Identifiers: ClinVar variation 1419434 (VCV001419434.8), dbSNP rs764441009, ClinGen allele CA853296.

ClinVar aggregate classification (germline): Uncertain significance (1 of 4 stars; one submission).

Allele frequency attached by ClinVar (database versions not stated): gnomAD 0.00001; gnomAD exomes 0.00002 and 0.00004; TOPMed 0.00002; ExAC 0.00004.

Submission:

Labcorp Genetics (formerly Invitae), Labcorp
Classification: Uncertain significance. Last evaluated: 2021-03-29. Review status: criteria provided, single submitter. Criteria: Invitae Variant Classification Sherloc (09022015). Collection method: clinical testing. Allele origin: germline.
Comment: In summary, the available evidence is currently insufficient to determine the role of this variant in disease. Therefore, it has been classified as a Variant of Uncertain Significance. Algorithms developed to predict the effect of missense changes on protein structure and function output the following: SIFT: "Tolerated"; PolyPhen-2: "Benign"; Align-GVGD: "Class C0". The serine amino acid residue is found in multiple mammalian species, suggesting that this missense change does not adversely affect protein function. These predictions have not been confirmed by published functional studies and their clinical significance is uncertain. This variant has not been reported in the literature in individuals with ORC1-related conditions. This variant is present in population databases (rs764441009, ExAC 0.007%). This sequence change replaces asparagine with serine at codon 516 of the ORC1 protein (p.Asn516Ser). The asparagine residue is moderately conserved and there is a small physicochemical difference between asparagine and serine.